The following is an entry in ClinVar:

ClinVar aggregate classification (germline): Likely benign (1 of 4 stars; one submission).

Allele frequency attached by ClinVar (database versions not stated): gnomAD exomes 0.00001; ExAC 0.00002; TOPMed 0.00002.
gnomAD v4.1: 13 of 1,613,780 alleles (0.00081%); highest among the groups gnomAD compares: South Asian, 0.0044%; no homozygotes.

Submission:

Laboratorio de Genetica e Diagnostico Molecular, Hospital Israelita Albert Einstein
Classification: Likely benign. Last evaluated: 2020-02-19. Review status: criteria provided, single submitter. Criteria: ACMG Guidelines, 2015. Collection method: clinical testing. Allele origin: germline. Affected: yes.
Comment: ACMG classification criteria: PM2, BP1, BP4

NM_001267550.2(TTN):c.91781G>A (p.Arg30594His)

Genes: TTN (titin; minus strand), TTN-AS1 (TTN antisense RNA 1; plus strand). Cytogenetic location: 2q31.2.
Variant type: single nucleotide variant.
Coding change: c.91781G>A on transcript NM_001267550.2 (MANE Select); coding-DNA position 91781, G replaced by A.
Protein change: p.Arg30594His; replaces arginine 30594 with histidine.
Molecular consequence: missense variant.
Genome position (GRCh38, 1-based): chr2:178,550,057, C>T on the plus strand (G>A on the coding strand, the complement: TTN is on the minus strand). VCF-style: chr2-178550057-C-T. GRCh37 (hg19) VCF-style: chr2-179414784-C-T.
Other names: c.86858G>A, p.Arg28953His (NM_001256850.1); c.64586G>A, p.Arg21529His (NM_003319.4); c.84077G>A, p.Arg28026His (NM_133378.4); c.64961G>A, p.Arg21654His (NM_133432.3); c.65162G>A, p.Arg21721His (NM_133437.4); short protein forms R21529H, R21654H, R21721H, R28026H, R28953H, R30594H.
Identifiers: ClinVar variation 1690813 (VCV001690813.2), dbSNP rs759363893, ClinGen allele CA1987565.